The following is an entry in ClinVar:

ClinVar aggregate classification (germline): Likely benign (0 of 4 stars; one submission).

Conditions:
DNAH6-related disorder. Also called: DNAH6-related condition.

Allele frequency attached by ClinVar (database versions not stated): TOPMed 0.00002; gnomAD 0.00004; gnomAD exomes 0.00006; ExAC 0.00010.
gnomAD v4.1: 95 of 1,536,634 alleles (0.0062%); highest among the groups gnomAD compares: Middle Eastern, 0.79%; 2 homozygotes.

Submission:

PreventionGenetics, part of Exact Sciences
Classification: Likely benign for DNAH6-related condition. Last evaluated: 2019-03-25. Review status: no assertion criteria provided. Collection method: clinical testing. Allele origin: germline.
Comment: This variant is classified as likely benign based on ACMG/AMP sequence variant interpretation guidelines (Richards et al. 2015 PMID: 25741868, with internal and published modifications).

NM_001370.2(DNAH6):c.2868+7T>G

Gene: DNAH6 (dynein axonemal heavy chain 6; plus strand). Cytogenetic location: 2p11.2.
Variant type: single nucleotide variant.
Coding change: c.2868+7T>G on transcript NM_001370.2 (MANE Select); 7 bases into the intron after coding-DNA position 2868, T replaced by G.
Molecular consequence: intron variant.
Genome position (GRCh38, 1-based): chr2:84,595,796, T>G. VCF-style: chr2-84595796-T-G. GRCh37 (hg19) VCF-style: chr2-84822920-T-G.
Identifiers: ClinVar variation 3039821 (VCV003039821.2), dbSNP rs199657504, ClinGen allele CA1736995.
Genomic context (GRCh38, chr2:84,595,796, plus strand): 5'-CCCAACAGTGTAGTGCCCCAGCTCAAATACAAGGTGGAAAAAATGAAAGAAAAGGTAAGG[T>G]TGGTAGAAGTTATTTCAAAAACTGTAGGCCAGTTGGTTATTAATTGATGCTAATGAGACC-3'